The following is an entry in ClinVar:

ClinVar aggregate classification (germline): Conflicting classifications of pathogenicity. Review status: criteria provided, conflicting classifications (1 of 4 stars). 2 submissions from 2 submitters: Uncertain significance (1); Likely benign (1). Last evaluated 2026-01-24.

Conditions:
MHC class I deficiency. Identifiers: Orphanet 34592, MedGen C6024714, MONDO:0011476.

Allele frequency attached by ClinVar (database versions not stated): ExAC 0.00035; gnomAD exomes 0.00035 and 0.00042; 1000 Genomes Project 0.00040; gnomAD 0.00043 and 0.00044; TOPMed 0.00046; 1000 Genomes Project 30x 0.00062; ESP Exome Variant Server 0.00085.

Submissions (2):

Labcorp Genetics (formerly Invitae), Labcorp
Classification: Uncertain significance for MHC class I deficiency 1. Last evaluated: 2026-01-24. Review status: criteria provided, single submitter. Criteria: Invitae Variant Classification Sherloc (09022015). Collection method: clinical testing. Allele origin: germline.
Comment: This sequence change replaces proline, which is neutral and non-polar, with leucine, which is neutral and non-polar, at codon 197 of the TAPBP protein (p.Pro197Leu). This variant is present in population databases (rs149606847, gnomAD 0.06%), and has an allele count higher than expected for a pathogenic variant. This variant has not been reported in the literature in individuals affected with TAPBP-related conditions. ClinVar contains an entry for this variant (Variation ID: 574706). An algorithm developed to predict the effect of missense changes on protein structure and function outputs the following: PolyPhen-2: "Benign". The leucine amino acid residue is found in multiple mammalian species, which suggests that this missense change does not adversely affect protein function. In summary, the available evidence is currently insufficient to determine the role of this variant in disease. Therefore, it has been classified as a Variant of Uncertain Significance.

Blueprint Genetics
Classification: Likely benign. Last evaluated: 2024-09-13. Review status: criteria provided, single submitter. Criteria: ACMG Guidelines, 2015. Collection method: clinical testing. Allele origin: germline.

NM_003190.5(TAPBP):c.590C>T (p.Pro197Leu)

Gene: TAPBP (TAP binding protein; minus strand). Cytogenetic location: 6p21.32.
Variant type: single nucleotide variant.
Coding change: c.590C>T on transcript NM_003190.5 (MANE Select); coding-DNA position 590, C replaced by T.
Protein change: p.Pro197Leu; replaces proline 197 with leucine.
Molecular consequence: missense variant.
Genome position (GRCh38, 1-based): chr6:33,305,267, G>A on the plus strand (C>T on the coding strand, the complement: TAPBP is on the minus strand). VCF-style: chr6-33305267-G-A. GRCh37 (hg19) VCF-style: chr6-33273044-G-A.
Other names: c.590C>T, p.Pro197Leu (NM_172208.3); c.329C>T, p.Pro110Leu (NM_172209.3); short protein forms P197L, P110L.
Identifiers: ClinVar variation 574706 (VCV000574706.11), dbSNP rs149606847, ClinGen allele CA3755849.